The following is an entry in ClinVar:

NM_000516.7(GNAS):c.494G>A (p.Arg165His)

Gene: GNAS (GNAS complex locus; plus strand). Cytogenetic location: 20q13.32.
Variant type: single nucleotide variant.
Coding change: c.494G>A on transcript NM_000516.7 (MANE Select); coding-DNA position 494, G replaced by A.
Protein change: p.Arg165His; replaces arginine 165 with histidine.
Molecular consequence: missense variant. On other transcripts: 3 prime UTR variant (2).
Genome position (GRCh38, 1-based): chr20:58,905,444, G>A. VCF-style: chr20-58905444-G-A. GRCh37 (hg19) VCF-style: chr20-57480499-G-A.
Other names: c.317G>A, p.Arg106His (NM_001309861.2, NM_001309840.2); c.*400G>A (NM_016592.5); c.2423G>A, p.Arg808His (NM_080425.4); c.452G>A, p.Arg151His (NM_080426.4); c.494G>A (NM_000516.4); c.497G>A, p.Arg166His (NM_001077488.5); c.449G>A, p.Arg150His (NM_001077489.4); c.*355G>A (NM_001077490.3); short protein forms R106H, R150H, R151H, R165H, R166H, R808H.
Identifiers: ClinVar variation 988432 (VCV000988432.5), dbSNP rs2090976265, ClinGen allele CA409451231.

ClinVar aggregate classification (germline): Pathogenic/Likely pathogenic. Review status: criteria provided, multiple submitters, no conflicts (2 of 4 stars). 4 submissions from 4 submitters: Pathogenic (3); Likely pathogenic (1). Last evaluated 2025-05-21.

Conditions:
GNAS-related disorder. Identifiers: MedGen CN380105.

Submissions (4):

Labcorp Genetics (formerly Invitae), Labcorp
Classification: Pathogenic. Last evaluated: 2025-05-21. Review status: criteria provided, single submitter. Criteria: Invitae Variant Classification Sherloc (09022015). Collection method: clinical testing. Allele origin: germline.
Comment: This sequence change replaces arginine, which is basic and polar, with histidine, which is basic and polar, at codon 165 of the GNAS protein (p.Arg165His). This variant is not present in population databases (gnomAD no frequency). This missense change has been observed in individual(s) with clinical features of GNAS-related conditions (PMID: 23884777). In at least one individual the variant was observed to be de novo. This variant is also known as c.497G>A p.(Arg166His) . ClinVar contains an entry for this variant (Variation ID: 988432). Invitae Evidence Modeling of protein sequence and biophysical properties (such as structural, functional, and spatial information, amino acid conservation, physicochemical variation, residue mobility, and thermodynamic stability) indicates that this missense variant is expected to disrupt GNAS protein function with a positive predictive value of 80%. This variant disrupts the p.Arg165 amino acid residue in GNAS. Other variant(s) that disrupt this residue have been determined to be pathogenic (PMID: 8388883, 23281139, 25802881). This suggests that this residue is clinically significant, and that variants that disrupt this residue are likely to be disease-causing. For these reasons, this variant has been classified as Pathogenic.

Blueprint Genetics
Classification: Pathogenic for GNAS-related disorders. Last evaluated: 2024-09-04. Review status: criteria provided, single submitter. Criteria: ACMG Guidelines, 2015. Collection method: clinical testing. Allele origin: germline. Affected: yes. Observed: 2 variant alleles.

GeneDx
Classification: Pathogenic. Last evaluated: 2023-04-18. Review status: criteria provided, single submitter. Criteria: GeneDx Variant Classification Process June 2021. Collection method: clinical testing. Allele origin: germline. Affected: yes.
Comment: Also denoted as R166H due to alternative nomenclature; Identified in a patient with pseudohypoparathyroidism type 1A in the published literature (Miyakawa et al., 2019), but information on segregation was not available; Not observed at significant frequency in large population cohorts (gnomAD); In silico analysis supports that this missense variant has a deleterious effect on protein structure/function; A different missense change at this residue (R165C) has been reported in the published literature (Brunelli et al., 2017); This variant is associated with the following publications: (PMID: 30674755, 23884777, 31886927, 33726816)

Clinical Genetics and Genomics, Karolinska University Hospital
Classification: Likely pathogenic. Last evaluated: 2019-04-29. Review status: criteria provided, single submitter. Criteria: ACMG Guidelines, 2015. Collection method: clinical testing. Allele origin: germline. Affected: yes. Observed: 1 variant allele.

Literature cited by the submitters: PubMed 23884777 (cited by Labcorp Genetics (formerly Invitae), Labcorp); PubMed 8388883 (cited by Labcorp Genetics (formerly Invitae), Labcorp); PubMed 23281139 (cited by Labcorp Genetics (formerly Invitae), Labcorp); PubMed 25802881 (cited by Labcorp Genetics (formerly Invitae), Labcorp).